The following is an entry in ClinVar:

NM_001360.3(DHCR7):c.662T>G (p.Met221Arg)

Gene: DHCR7 (7-dehydrocholesterol reductase; minus strand). Cytogenetic location: 11q13.4.
Variant type: single nucleotide variant.
Coding change: c.662T>G on transcript NM_001360.3 (MANE Select); coding-DNA position 662, T replaced by G.
Protein change: p.Met221Arg; replaces methionine 221 with arginine.
Molecular consequence: missense variant.
Genome position (GRCh38, 1-based): chr11:71,439,048, A>C on the plus strand (T>G on the coding strand, the complement: DHCR7 is on the minus strand). VCF-style: chr11-71439048-A-C. GRCh37 (hg19) VCF-style: chr11-71150094-A-C.
Other names: c.662T>G, p.Met221Arg (NM_001163817.2); short protein forms M221R.
Identifiers: ClinVar variation 993669 (VCV000993669.11), dbSNP rs943223142, ClinGen allele CA224328024.

ClinVar aggregate classification (germline): Uncertain significance. Review status: criteria provided, single submitter (1 of 4 stars). 2 submissions from 2 submitters: Uncertain significance (1). 1 of the submissions does not count toward it. Last evaluated 2020-02-28.

Conditions:
Smith-Lemli-Opitz syndrome (SLOS). Also called: POLYDACTYLY, SEX REVERSAL, RENAL HYPOPLASIA, AND UNILOBAR LUNG; RSH SYNDROME; RUTLEDGE LETHAL MULTIPLE CONGENITAL ANOMALY SYNDROME; LETHAL ACRODYSGENITAL SYNDROME; 7-Dehydrocholesterol reductase deficiency. Identifiers: Orphanet 818, MedGen C0175694, MONDO:0010035, OMIM 270400.

Submissions (2):

ARUP Laboratories, Molecular Genetics and Genomics, ARUP Laboratories
Classification: Uncertain significance for Smith-Lemli-Opitz syndrome. Last evaluated: 2020-02-28. Review status: criteria provided, single submitter. Criteria: ARUP Molecular Germline Variant Investigation Process. Collection method: clinical testing. Allele origin: germline.
Comment: The DHCR7 c.662T>G; p.Met221Arg variant (rs943223142), to our knowledge, is not reported in the medical literature or gene-specific databases. This variant is also absent from general population databases (Exome Variant Server, Genome Aggregation Database), indicating it is not a common polymorphism. The methionine at codon 221 is highly conserved, and computational analyses (SIFT, PolyPhen-2) predict that this variant is deleterious. However, due to limited information, the clinical significance of the p.Met221Arg variant is uncertain at this time.

Natera, Inc.
Classification: Uncertain significance for Smith-Lemli-Opitz syndrome. Last evaluated: 2020-05-12. Review status: no assertion criteria provided. Collection method: clinical testing. Allele origin: germline. Not counted in ClinVar's aggregate classification.